The following is an entry in ClinVar:

NM_004444.5(EPHB4):c.2616C>G (p.Ser872Arg)

Genes: EPHB4 (EPH receptor B4; minus strand), LOC126860124 (CDK7 strongly-dependent group 2 enhancer GRCh37_chr7:100403701-100404900; plus strand). Cytogenetic location: 7q22.1.
Variant type: single nucleotide variant.
Coding change: c.2616C>G on transcript NM_004444.5 (MANE Select); coding-DNA position 2616, C replaced by G.
Protein change: p.Ser872Arg; replaces serine 872 with arginine.
Molecular consequence: missense variant.
Genome position (GRCh38, 1-based): chr7:100,805,563, G>C on the plus strand (C>G on the coding strand, the complement: EPHB4 is on the minus strand). VCF-style: chr7-100805563-G-C. GRCh37 (hg19) VCF-style: chr7-100403185-G-C.
Other names: short protein forms S872R.
Identifiers: ClinVar variation 3509382 (VCV003509382.1).

ClinVar aggregate classification (germline): Uncertain significance (1 of 4 stars; one submission).

Conditions:
Cardiovascular phenotype. Identifiers: MedGen CN230736.

gnomAD v4.1: 1 of 1,541,302 alleles (0.000065%); highest among the groups gnomAD compares: Non-Finnish European, 0.000087%; no homozygotes.

Submission:

Ambry Genetics
Classification: Uncertain significance for Cardiovascular phenotype. Last evaluated: 2024-06-30. Review status: criteria provided, single submitter. Criteria: Ambry Variant Classification Scheme 2023. Collection method: clinical testing. Allele origin: germline.
Comment: The p.S872R variant (also known as c.2616C>G), located in coding exon 15 of the EPHB4 gene, results from a C to G substitution at nucleotide position 2616. The serine at codon 872 is replaced by arginine, an amino acid with dissimilar properties. This amino acid position is conserved. In addition, the in silico prediction for this alteration is inconclusive. Based on the available evidence, the clinical significance of this variant remains unclear.